The following is an entry in ClinVar:

NM_001199107.2(TBC1D24):c.686T>C (p.Phe229Ser)

Gene: TBC1D24 (TBC1 domain family member 24; plus strand). Cytogenetic location: 16p13.3.
Variant type: single nucleotide variant.
Coding change: c.686T>C on transcript NM_001199107.2 (MANE Select); coding-DNA position 686, T replaced by C.
Protein change: p.Phe229Ser; replaces phenylalanine 229 with serine.
Molecular consequence: missense variant.
Genome position (GRCh38, 1-based): chr16:2,496,834, T>C. VCF-style: chr16-2496834-T-C. GRCh37 (hg19) VCF-style: chr16-2546835-T-C.
Other names: c.686T>C, p.Phe229Ser (NM_020705.3); short protein forms F229S.
Identifiers: ClinVar variation 56846 (VCV000056846.12), dbSNP rs397514713, ClinGen allele CA344789.

ClinVar aggregate classification (germline): Pathogenic. Review status: criteria provided, multiple submitters, no conflicts (2 of 4 stars). 5 submissions from 5 submitters: Pathogenic (3). 2 of the submissions do not count toward it. Last evaluated 2023-01-27.

Conditions:
Autosomal dominant nonsyndromic hearing loss 65. Also called: TBC1D24-Related Autosomal Dominant Nonsyndromic Hearing Loss (DFNA); Deafness, autosomal dominant 65. Identifiers: Orphanet 90635, MedGen C3892048, MONDO:0014470, OMIM 616044.
Developmental and epileptic encephalopathy, 1 (DEE1). Also called: X-linked infantile spasms; West's syndrome; Tonic spasms with clustering, arrest of psychomotor development and hypsarrhythmia on EEG; X-Linked Infantile Spasm Syndrome; OHTAHARA SYNDROME, X-LINKED; INFANTILE SPASM SYNDROME, X-LINKED 1. Identifiers: MedGen C3463992, MONDO:0010632, OMIM 308350. Disease mechanism: loss of function.
Caused by mutation in the TBC1 domain family, member 24.
Developmental and epileptic encephalopathy, 16 (DEE16). Also called: TBC1D24-Related Developmental and Epileptic Encephalopathy (DEE); Early infantile epileptic encephalopathy 16. Identifiers: Orphanet 293181, Orphanet 352596, MedGen C3809173, MONDO:0014133, OMIM 615338.

Allele frequency attached by ClinVar (database versions not stated): gnomAD exomes 0.00001.
gnomAD v4.1: 9 of 1,614,084 alleles (0.00056%); highest among the groups gnomAD compares: Non-Finnish European, 0.00076%; no homozygotes.

Submissions (5):

Institute of Human Genetics Munich, TUM University Hospital
Classification: Pathogenic for Developmental and epileptic encephalopathy, 16. Last evaluated: 2023-01-27. Review status: criteria provided, single submitter. Criteria: Classification criteria August 2017. Collection method: clinical testing. Allele origin: paternal. Inheritance: Autosomal recessive inheritance. Affected: yes. Observed: 1 variant allele.

Labcorp Genetics (formerly Invitae), Labcorp
Classification: Pathogenic for Developmental and epileptic encephalopathy, 1; Autosomal dominant nonsyndromic hearing loss 65. Last evaluated: 2022-03-12. Review status: criteria provided, single submitter. Criteria: Invitae Variant Classification Sherloc (09022015). Collection method: clinical testing. Allele origin: germline.
Comment: This sequence change replaces phenylalanine, which is neutral and non-polar, with serine, which is neutral and polar, at codon 229 of the TBC1D24 protein (p.Phe229Ser). This variant is not present in population databases (gnomAD no frequency). This missense change has been observed in individual(s) with autosomal recessive TBC1D24-related epilepsy (PMID: 23526554, 27281533). In at least one individual the data is consistent with being in trans (on the opposite chromosome) from a pathogenic variant. It has also been observed to segregate with disease in related individuals. ClinVar contains an entry for this variant (Variation ID: 56846). Advanced modeling of protein sequence and biophysical properties (such as structural, functional, and spatial information, amino acid conservation, physicochemical variation, residue mobility, and thermodynamic stability) performed at Invitae indicates that this missense variant is expected to disrupt TBC1D24 protein function. For these reasons, this variant has been classified as Pathogenic.

GeneDx
Classification: Pathogenic. Last evaluated: 2020-08-07. Review status: criteria provided, single submitter. Criteria: GeneDx Variant Classification Process June 2021. Collection method: clinical testing. Allele origin: germline. Affected: yes.
Comment: Published functional studies demonstrate F229S impacts protein function (Milh et al., 2013); Not observed in large population cohorts (Lek et al., 2016); In silico analysis, which includes protein predictors and evolutionary conservation, supports a deleterious effect; This variant is associated with the following publications: (PMID: 23526554, 27281533, 30108545, 28726039, 24387994)

Division of Medical Genetics; Sainte-Justine Hospital
Classification: Pathogenic for EIEE16. Last evaluated: 2014-12-22. Review status: no assertion criteria provided. Collection method: literature only. Allele origin: germline. Affected: yes. Not counted in ClinVar's aggregate classification.

OMIM
Classification: Pathogenic for DEVELOPMENTAL AND EPILEPTIC ENCEPHALOPATHY 16. Last evaluated: 2013-06-01. Review status: no assertion criteria provided. Collection method: literature only. Allele origin: germline. Not counted in ClinVar's aggregate classification.

Literature cited by the submitters: PubMed 23526554 (cited by Labcorp Genetics (formerly Invitae), Labcorp and OMIM); PubMed 27281533 (cited by Labcorp Genetics (formerly Invitae), Labcorp).